The following is an entry in ClinVar:

ClinVar aggregate classification (germline): Uncertain significance (1 of 4 stars; one submission).

Submission:

GeneDx
Classification: Uncertain significance. Last evaluated: 2019-07-01. Review status: criteria provided, single submitter. Criteria: GeneDx Variant Classification Process June 2021. Collection method: clinical testing. Allele origin: germline. Affected: yes.
Comment: Not observed in large population cohorts (Lek et al., 2016); Nonsense variant predicted to result in protein truncation or nonsense mediated decay in a gene for which loss-of-function is not a known mechanism of disease; Has not been previously published as pathogenic or benign to our knowledge

NM_001037333.3(CYFIP2):c.1489C>T (p.Gln497Ter)

Gene: CYFIP2 (cytoplasmic FMR1 interacting protein 2; plus strand). Cytogenetic location: 5q33.3.
Variant type: single nucleotide variant.
Coding change: c.1489C>T on transcript NM_001037333.3 (MANE Select); coding-DNA position 1489, C replaced by T.
Protein change: p.Gln497Ter; replaces glutamine 497 with a stop codon.
Molecular consequence: nonsense.
Genome position (GRCh38, 1-based): chr5:157,319,894, C>T. VCF-style: chr5-157319894-C-T. GRCh37 (hg19) VCF-style: chr5-156746902-C-T.
Other names: c.1411C>T, p.Gln471Ter (NM_001291721.2); c.1489C>T, p.Gln497Ter (NM_001291722.2, NM_014376.4); short protein forms Q471*, Q497*.
Identifiers: ClinVar variation 1306557 (VCV001306557.2), dbSNP rs2113101675, ClinGen allele CA361969074.